The following is an entry in ClinVar:

NM_182961.4(SYNE1):c.24727C>T (p.Arg8243Cys)

Gene: SYNE1 (spectrin repeat containing nuclear envelope protein 1; minus strand). Cytogenetic location: 6q25.2.
Variant type: single nucleotide variant.
Coding change: c.24727C>T on transcript NM_182961.4 (MANE Select); coding-DNA position 24727, C replaced by T.
Protein change: p.Arg8243Cys; replaces arginine 8243 with cysteine.
Molecular consequence: missense variant.
Genome position (GRCh38, 1-based): chr6:152,148,294, G>A on the plus strand (C>T on the coding strand, the complement: SYNE1 is on the minus strand). VCF-style: chr6-152148294-G-A. GRCh37 (hg19) VCF-style: chr6-152469429-G-A.
Other names: c.1333C>T, p.Arg445Cys (NM_001347701.2); c.1192C>T, p.Arg398Cys (NM_001347702.2); c.24514C>T, p.Arg8172Cys (NM_033071.5); c.24727C>T (NM_182961.2); short protein forms R398C, R445C, R8172C, R8243C.
Identifiers: ClinVar variation 2436701 (VCV002436701.4), dbSNP rs752751370, ClinGen allele CA4053087.

ClinVar aggregate classification (germline): Uncertain significance. Review status: criteria provided, multiple submitters, no conflicts (2 of 4 stars). 2 submissions from 2 submitters: Uncertain significance (2). Last evaluated 2025-07-17.

Allele frequency attached by ClinVar (database versions not stated): ExAC 0.00001; gnomAD exomes 0.00001; gnomAD 0.00003; TOPMed 0.00005.
gnomAD v4.1: 12 of 1,613,744 alleles (0.00074%); highest among the groups gnomAD compares: Admixed American, 0.0067%; no homozygotes.

Submissions (2):

Athena Diagnostics
Classification: Uncertain significance. Last evaluated: 2025-07-17. Review status: criteria provided, single submitter. Criteria: Athena Diagnostics Criteria. Collection method: clinical testing. Allele origin: unknown.
Comment: Available data are insufficient to determine the clinical significance of the variant at this time. The frequency of this variant in the general population is uninformative in assessment of its pathogenicity. Polyphen and MutationTaster predict this amino acid change may be benign.

Revvity Omics, Revvity
Classification: Uncertain significance. Last evaluated: 2020-07-15. Review status: criteria provided, single submitter. Criteria: ACMG Guidelines, 2015. Collection method: clinical testing. Allele origin: germline.